The following is an entry in ClinVar:

ClinVar aggregate classification (germline): Uncertain significance (1 of 4 stars; one submission).

Conditions:
Fanconi anemia (FA). Also called: Fanconi's anemia. Identifiers: Orphanet 84, MedGen C0015625, MeSH D005199, MONDO:0019391.

Submission:

Labcorp Genetics (formerly Invitae), Labcorp
Classification: Uncertain significance for Fanconi anemia. Last evaluated: 2021-12-05. Review status: criteria provided, single submitter. Criteria: Invitae Variant Classification Sherloc (09022015). Collection method: clinical testing. Allele origin: germline.
Comment: In summary, the available evidence is currently insufficient to determine the role of this variant in disease. Therefore, it has been classified as a Variant of Uncertain Significance. Algorithms developed to predict the effect of missense changes on protein structure and function are either unavailable or do not agree on the potential impact of this missense change (SIFT: "Deleterious"; PolyPhen-2: "Benign"; Align-GVGD: "Class C25"). This variant has not been reported in the literature in individuals affected with SLX4-related conditions. This variant is not present in population databases (gnomAD no frequency). This sequence change replaces arginine, which is basic and polar, with threonine, which is neutral and polar, at codon 1815 of the SLX4 protein (p.Arg1815Thr).

NM_032444.4(SLX4):c.5444G>C (p.Arg1815Thr)

Gene: SLX4 (SLX4 structure-specific endonuclease subunit; minus strand). Cytogenetic location: 16p13.3.
Variant type: single nucleotide variant.
Coding change: c.5444G>C on transcript NM_032444.4 (MANE Select); coding-DNA position 5444, G replaced by C.
Protein change: p.Arg1815Thr; replaces arginine 1815 with threonine.
Molecular consequence: missense variant.
Genome position (GRCh38, 1-based): chr16:3,582,403, C>G on the plus strand (G>C on the coding strand, the complement: SLX4 is on the minus strand). VCF-style: chr16-3582403-C-G. GRCh37 (hg19) VCF-style: chr16-3632404-C-G.
Other names: short protein forms R1815T.
Identifiers: ClinVar variation 1416587 (VCV001416587.6), dbSNP rs375885941, ClinGen allele CA394513502.